The following is an entry in ClinVar:

NM_001868.4(CPA1):c.382-1G>T

Gene: CPA1 (carboxypeptidase A1; plus strand). Cytogenetic location: 7q32.2.
Variant type: single nucleotide variant.
Coding change: c.382-1G>T on transcript NM_001868.4 (MANE Select); the canonical splice acceptor site of the intron before coding-DNA position 382, G replaced by T.
Molecular consequence: splice acceptor variant.
Genome position (GRCh38, 1-based): chr7:130,382,107, G>T. VCF-style: chr7-130382107-G-T. GRCh37 (hg19) VCF-style: chr7-130021948-G-T.
Identifiers: ClinVar variation 4233097 (VCV004233097.1).
Genomic context (GRCh38, chr7:130,382,107, plus strand): 5'-AGGGAAGCATCTGGGTGCCCAGAAGCTATTAAGGCCAGTGGTCTCTTCTTTCACACCTCA[G>T]ATCTATGACTTCCTGGACCTGCTGGTGGCGGAGAACCCGCACCTTGTCAGCAAGATCCAG-3'

ClinVar aggregate classification (germline): Uncertain significance (1 of 4 stars; one submission).

Conditions:
Hereditary pancreatitis (PCTT). Also called: Hereditary chronic pancreatitis; PRSS1-Related Hereditary Pancreatitis. Identifiers: Orphanet 676, MedGen C0238339, MONDO:0008185, OMIM 167800.

Submission:

Ambry Genetics
Classification: Uncertain significance for Hereditary pancreatitis. Last evaluated: 2025-08-05. Review status: criteria provided, single submitter. Criteria: Ambry Variant Classification Scheme 2023. Collection method: clinical testing. Allele origin: germline.
Comment: The c.382-1G>T intronic variant results from a G to T substitution one nucleotide upstream from coding exon 4 of the CPA1 gene. Alterations that disrupt the canonical splice site are expected to result in aberrant splicing. In silico splice site analysis predicts that this alteration will weaken the native splice acceptor site. A resulting transcript is predicted to be in-frame and is not expected to trigger nonsense-mediated mRNAdecay; although, direct evidence is unavailable. This nucleotide position is highly conserved in available vertebrate species. Based on the available evidence, the clinical significance of this variant remains unclear.